The following is an entry in ClinVar:

NM_000463.3(UGT1A1):c.1524A>G (p.Lys508=)

Genes: UGT1A (UDP glucuronosyltransferase family 1 member A complex locus; plus strand), UGT1A1 (UDP glucuronosyltransferase family 1 member A1; plus strand), UGT1A10 (UDP glucuronosyltransferase family 1 member A10; plus strand), UGT1A3 (UDP glucuronosyltransferase family 1 member A3; plus strand), UGT1A4 (UDP glucuronosyltransferase family 1 member A4; plus strand) and 5 more. Cytogenetic location: 2q37.1.
Variant type: single nucleotide variant.
Coding change: c.1524A>G on transcript NM_000463.3 (MANE Select); coding-DNA position 1524, A replaced by G.
Protein change: p.Lys508=; no amino-acid change (lysine 508 retained).
Molecular consequence: synonymous variant.
Genome position (GRCh38, 1-based): chr2:233,772,481, A>G. VCF-style: chr2-233772481-A-G. GRCh37 (hg19) VCF-style: chr2-234681127-A-G.
Other names: c.1515A>G, p.Lys505= (NM_019075.4, NM_019076.5, NM_019077.3 and 1 more transcripts); c.1521A>G, p.Lys507= (NM_001072.4); c.720A>G, p.Lys240= (NM_205862.3); c.1527A>G, p.Lys509= (NM_019078.2, NM_007120.3, NM_019093.4).
Identifiers: ClinVar variation 3347827 (VCV003347827.1).
Genomic context (GRCh38, chr2:233,772,481, plus strand): 5'-CTTGGACGTGATTGGTTTCCTCTTGGCCGTCGTGCTGACAGTGGCCTTCATCACCTTTAA[A>G]TGTTGTGCTTATGGCTACCGGAAATGCTTGGGGAAAAAAGGGCGAGTTAAGAAAGCCCAC-3'
Protein context (NP_000454.1, residues 498-518): VVLTVAFITF[Lys508=]CCAYGYRKCL

ClinVar aggregate classification (germline): Likely benign (0 of 4 stars; one submission).

Conditions:
UGT1A1-related disorder. Also called: UGT1A1-related disorders; UGT1A1-related condition.

Submission:

PreventionGenetics, part of Exact Sciences
Classification: Likely benign for UGT1A1-related condition. Last evaluated: 2024-08-06. Review status: no assertion criteria provided. Collection method: clinical testing. Allele origin: germline.
Comment: This variant is classified as likely benign based on ACMG/AMP sequence variant interpretation guidelines (Richards et al. 2015 PMID: 25741868, with internal and published modifications).